The following is an entry in ClinVar:

ClinVar aggregate classification (germline): Pathogenic (1 of 4 stars; one submission).

Conditions:
Neurofibromatosis, type 1 (NF1). Also called: VON RECKLINGHAUSEN DISEASE; Peripheral type neurofibromatosis; NEUROFIBROMATOSIS, TYPE I, SOMATIC; Neurofibromatosis, type I. Identifiers: Orphanet 636, MedGen C0027831, MONDO:0018975, OMIM 162200. Disease mechanism: loss of function.

Submission:

Labcorp Genetics (formerly Invitae), Labcorp
Classification: Pathogenic for Neurofibromatosis, type 1. Last evaluated: 2020-09-26. Review status: criteria provided, single submitter. Criteria: Invitae Variant Classification Sherloc (09022015). Collection method: clinical testing. Allele origin: germline.
Comment: This variant is an out-of-frame deletion of the genomic region encompassing exon(s) 49 of the NF1 gene. This is expected to create a premature translational stop signal and result in an absent or disrupted protein product. This variant has not been reported in the literature in individuals with NF1-related conditions. Loss-of-function variants in NF1 are known to be pathogenic (PMID: 10712197, 23913538). For these reasons, this variant has been classified as Pathogenic.

Literature cited by the submitters: PubMed 10712197; PubMed 23913538.

NC_000017.10:g.(?_29677191)_(29677346_?)del

Gene: NF1 (neurofibromin 1; plus strand). Cytogenetic location: 17q11.2.
Variant type: Deletion.
Identifiers: ClinVar variation 1073836 (VCV001073836.1).